The following is an entry in ClinVar:

ClinVar aggregate classification (germline): Uncertain significance. Review status: criteria provided, multiple submitters, no conflicts (2 of 4 stars). 2 submissions from 2 submitters: Uncertain significance (2). Last evaluated 2024-09-30.

Conditions:
Hereditary cancer-predisposing syndrome. Also called: Neoplastic Syndromes, Hereditary; Tumor predisposition; Hereditary Cancer Syndrome; Hereditary neoplastic syndrome. Identifiers: Orphanet 140162, MedGen C0027672, MeSH D009386, MONDO:0015356.
Neuroblastoma, susceptibility to, 3. Also called: ALK-Related Neuroblastic Tumor Susceptibility. Identifiers: Orphanet 635, MedGen C2751681, MONDO:0013083, OMIM 613014.

Allele frequency attached by ClinVar (database versions not stated): gnomAD exomes below 0.00001.
gnomAD v4.1: 1 of 1,613,456 alleles (0.000062%); highest among the groups gnomAD compares: Non-Finnish European, 0.000085%; no homozygotes.

Submissions (2):

Ambry Genetics
Classification: Uncertain significance for Hereditary cancer-predisposing syndrome. Last evaluated: 2024-09-30. Review status: criteria provided, single submitter. Criteria: Ambry Variant Classification Scheme 2023. Collection method: clinical testing. Allele origin: germline.
Comment: The p.T523I variant (also known as c.1568C>T), located in coding exon 8 of the ALK gene, results from a C to T substitution at nucleotide position 1568. The threonine at codon 523 is replaced by isoleucine, an amino acid with similar properties. This amino acid position is conserved. In addition, this alteration is predicted to be tolerated by in silico analysis. Since supporting evidence is limited at this time, the clinical significance of this alteration remains unclear.

Labcorp Genetics (formerly Invitae), Labcorp
Classification: Uncertain significance for Neuroblastoma, susceptibility to, 3. Last evaluated: 2021-12-26. Review status: criteria provided, single submitter. Criteria: Invitae Variant Classification Sherloc (09022015). Collection method: clinical testing. Allele origin: germline.
Comment: This variant is not present in population databases (gnomAD no frequency). This variant has not been reported in the literature in individuals affected with ALK-related conditions. ClinVar contains an entry for this variant (Variation ID: 538204). Algorithms developed to predict the effect of missense changes on protein structure and function output the following: SIFT: "Tolerated"; PolyPhen-2: "Benign"; Align-GVGD: "Class C0". The isoleucine amino acid residue is found in multiple mammalian species, which suggests that this missense change does not adversely affect protein function. In summary, the available evidence is currently insufficient to determine the role of this variant in disease. Therefore, it has been classified as a Variant of Uncertain Significance. This sequence change replaces threonine, which is neutral and polar, with isoleucine, which is neutral and non-polar, at codon 523 of the ALK protein (p.Thr523Ile).

NM_004304.5(ALK):c.1568C>T (p.Thr523Ile)

Gene: ALK (ALK receptor tyrosine kinase; minus strand). Cytogenetic location: 2p23.2.
Variant type: single nucleotide variant.
Coding change: c.1568C>T on transcript NM_004304.5 (MANE Select); coding-DNA position 1568, C replaced by T.
Protein change: p.Thr523Ile; replaces threonine 523 with isoleucine.
Molecular consequence: missense variant.
Genome position (GRCh38, 1-based): chr2:29,318,383, G>A on the plus strand (C>T on the coding strand, the complement: ALK is on the minus strand). VCF-style: chr2-29318383-G-A. GRCh37 (hg19) VCF-style: chr2-29541249-G-A.
Other names: short protein forms T523I.
Identifiers: ClinVar variation 538204 (VCV000538204.12), dbSNP rs1553409330, ClinGen allele CA346471327.